The following is an entry in ClinVar:

NM_194454.3(KRIT1):c.2084_2142+81del

Gene: KRIT1 (KRIT1 ankyrin repeat containing; minus strand). Cytogenetic location: 7q21.2.
Variant type: Deletion.
Coding change: c.2084_2142+81del on transcript NM_194454.3 (MANE Select); coding-DNA position 2084 through 81 bases into the intron after coding-DNA position 2142, 140 bases deleted.
Molecular consequence: splice donor variant.
Genome position (GRCh38, 1-based): chr7:92,201,226-92,201,365, 140 bases deleted. GRCh37 (hg19): chr7:91,830,542-91,830,681.
Other names: c.2084_2142+81del (NM_001350672.1, NM_001350676.1, NM_001350673.1 and 26 more transcripts); c.1940_1998+81del (NM_001350669.1, NM_001013406.2, NM_001350670.1); c.1370_1428+81del (NM_001350671.1).
Identifiers: ClinVar variation 2857598 (VCV002857598.3), dbSNP rs2535514417, ClinGen allele CA2739266539.

ClinVar aggregate classification (germline): Pathogenic (1 of 4 stars; one submission).

Conditions:
Cerebral cavernous malformation (CCM). Also called: Cerebral cavernous malformations; Cavernous Hemangioma of Brain; CAVERNOUS ANGIOMA, FAMILIAL; CAVERNOUS ANGIOMATOUS MALFORMATIONS; CEREBRAL CAPILLARY MALFORMATIONS; Cerebral cavernous hemangioma (type). Identifiers: Orphanet 221061, MedGen C2919945, MONDO:0000820, OMIM 116860, HP:0033522.

Submission:

Labcorp Genetics (formerly Invitae), Labcorp
Classification: Pathogenic for Cerebral cavernous malformation. Last evaluated: 2023-04-19. Review status: criteria provided, single submitter. Criteria: Invitae Variant Classification Sherloc (09022015). Collection method: clinical testing. Allele origin: germline.
Comment: This variant disrupts a region of the KRIT1 protein in which other variant(s) (p.Val710Asnfs*22) have been determined to be pathogenic (Invitae). This suggests that this is a clinically significant region of the protein, and that variants that disrupt it are likely to be disease-causing. Variants that disrupt the consensus splice site are a relatively common cause of aberrant splicing (PMID: 17576681, 9536098). This variant has been observed in individual(s) with cerebral cavernous malformations (Invitae). This variant results in the deletion of part of exon 19 (c.2084_2142+81del) of the KRIT1 gene. While this variant is not anticipated to result in nonsense mediated decay, it likely alters RNA splicing and results in a disrupted protein product. For these reasons, this variant has been classified as Pathogenic.

Literature cited by the submitters: PubMed 17576681; PubMed 9536098.